The following is an entry in ClinVar:

NM_000059.4(BRCA2):c.2099T>G (p.Leu700Ter)

Gene: BRCA2 (BRCA2 DNA repair associated; plus strand). Cytogenetic location: 13q13.1.
Variant type: single nucleotide variant.
Coding change: c.2099T>G on transcript NM_000059.4 (MANE Select); coding-DNA position 2099, T replaced by G.
Protein change: p.Leu700Ter; replaces leucine 700 with a stop codon.
Molecular consequence: nonsense.
Genome position (GRCh38, 1-based): chr13:32,336,454, T>G. VCF-style: chr13-32336454-T-G. GRCh37 (hg19) VCF-style: chr13-32910591-T-G.
Other names: short protein forms L700*.
Identifiers: ClinVar variation 1417319 (VCV001417319.6), dbSNP rs1555282449, ClinGen allele CA387769900.

ClinVar aggregate classification (germline): Pathogenic (1 of 4 stars; one submission).

Conditions:
Hereditary breast ovarian cancer syndrome. Also called: Hereditary breast and ovarian cancer syndrome (HBOC); Breast and ovarian cancer; Hereditary breast and ovarian cancer syndrome; Hereditary breast and/or ovarian cancer syndrome; BRCA1- and BRCA2-Associated Hereditary Breast and Ovarian Cancer; Hereditary breast and ovarian cancer. Identifiers: Orphanet 145, MedGen C0677776, MeSH D061325, MONDO:0003582. Disease mechanism: loss of function.

Submission:

Labcorp Genetics (formerly Invitae), Labcorp
Classification: Pathogenic for Hereditary breast ovarian cancer syndrome. Last evaluated: 2021-11-09. Review status: criteria provided, single submitter. Criteria: Invitae Variant Classification Sherloc (09022015). Collection method: clinical testing. Allele origin: germline.
Comment: For these reasons, this variant has been classified as Pathogenic. This premature translational stop signal has been observed in individual(s) with breast cancer (PMID: 32427313). This variant is not present in population databases (gnomAD no frequency). This sequence change creates a premature translational stop signal (p.Leu700*) in the BRCA2 gene. It is expected to result in an absent or disrupted protein product. Loss-of-function variants in BRCA2 are known to be pathogenic (PMID: 20104584).

Literature cited by the submitters: PubMed 32427313; PubMed 20104584.